The following is an entry in ClinVar:

ClinVar aggregate classification (germline): Uncertain significance (1 of 4 stars; one submission).

Conditions:
Glycine encephalopathy. Also called: Non-ketotic hyperglycinemia; Nonketotic hyperglycinemia. Identifiers: Orphanet 407, MedGen C0751748, MONDO:0011612, HP:0008288.

Allele frequency attached by ClinVar (database versions not stated): gnomAD exomes below 0.00001 and 0.00001; TOPMed 0.00002; gnomAD 0.00003.
gnomAD v4.1: 12 of 1,612,280 alleles (0.00074%); highest among the groups gnomAD compares: African/African-American, 0.0013%; no homozygotes.

Submission:

Labcorp Genetics (formerly Invitae), Labcorp
Classification: Uncertain significance for Glycine encephalopathy. Last evaluated: 2022-07-14. Review status: criteria provided, single submitter. Criteria: Invitae Variant Classification Sherloc (09022015). Collection method: clinical testing. Allele origin: germline.
Comment: This sequence change replaces glycine, which is neutral and non-polar, with glutamic acid, which is acidic and polar, at codon 639 of the GLDC protein (p.Gly639Glu). This variant is present in population databases (no rsID available, gnomAD 0.002%). This variant has not been reported in the literature in individuals affected with GLDC-related conditions. ClinVar contains an entry for this variant (Variation ID: 1487096). Advanced modeling of protein sequence and biophysical properties (such as structural, functional, and spatial information, amino acid conservation, physicochemical variation, residue mobility, and thermodynamic stability) performed at Invitae indicates that this missense variant is not expected to disrupt GLDC protein function. In summary, the available evidence is currently insufficient to determine the role of this variant in disease. Therefore, it has been classified as a Variant of Uncertain Significance.

NM_000170.3(GLDC):c.1916G>A (p.Gly639Glu)

Gene: GLDC (glycine decarboxylase; minus strand). Cytogenetic location: 9p24.1.
Variant type: single nucleotide variant.
Coding change: c.1916G>A on transcript NM_000170.3 (MANE Select); coding-DNA position 1916, G replaced by A.
Protein change: p.Gly639Glu; replaces glycine 639 with glutamic acid.
Molecular consequence: missense variant.
Genome position (GRCh38, 1-based): chr9:6,565,364, C>T on the plus strand (G>A on the coding strand, the complement: GLDC is on the minus strand). VCF-style: chr9-6565364-C-T. GRCh37 (hg19) VCF-style: chr9-6565364-C-T.
Other names: short protein forms G639E.
Identifiers: ClinVar variation 1487096 (VCV001487096.5), dbSNP rs1488935367, ClinGen allele CA372884342.
Genomic context (GRCh38, chr9:6,565,364, plus strand): 5'-AGGACCTCTGTGCCCCATGGTGAGCAAGCGCCACCTCCTGCCATACTCACCGTTCTGTGC[C>T]CCTCTCCTTTCTGGTTTAAGTAGGCTCGGATAGTGGCCAGTCCAGCATATTCTCCCTGGG-3'
Protein context (NP_000161.2, residues 629-649): IRAYLNQKGE[Gly639Glu]HRTVCLIPKS